The following is an entry in ClinVar:

ClinVar aggregate classification (germline): Pathogenic. Review status: criteria provided, multiple submitters, no conflicts (2 of 4 stars). 2 submissions from 2 submitters: Pathogenic (2). Last evaluated 2026-02-17.

Conditions:
Inborn genetic diseases. Identifiers: MedGen C0950123, MeSH D030342.
Deafness-lymphedema-leukemia syndrome. Also called: Lymphedema, primary, with myelodysplasia; Emberger syndrome. Identifiers: Orphanet 3226, MedGen C3279664, MONDO:0013540, OMIM 614038.
GATA2 deficiency with susceptibility to MDS/AML. Identifiers: MedGen CN300066, MONDO:0042982.

Submissions (2):

Ambry Genetics
Classification: Pathogenic for Inborn genetic diseases. Last evaluated: 2026-02-17. Review status: criteria provided, single submitter. Criteria: Ambry Variant Classification Scheme 2023. Collection method: clinical testing. Allele origin: germline.
Comment: The c.685delC pathogenic mutation, located in coding exon 2 of the GATA2 gene, results from a deletion of one nucleotide at nucleotide position 685, causing a translational frameshift with a predicted alternate stop codon (p.L229Cfs*5). This variant was reported in individual(s) with features consistent with GATA2 deficiency syndrome (Wlodarski MW et al. Blood, 2016 Mar;127:1387-97; quiz 1518; Ambry internal data). This variant is considered to be rare based on population cohorts in the Genome Aggregation Database (gnomAD). This alteration is expected to result in loss of function by premature protein truncation or nonsense-mediated mRNA decay. As such, this alteration is interpreted as a disease-causing mutation.

Molecular Pathology Research Laboratory, SA Pathology
Classification: Pathogenic for GATA2 deficiency with susceptibility to MDS/AML; Deafness-lymphedema-leukemia syndrome. Last evaluated: 2021-07-06. Review status: criteria provided, single submitter. Criteria: ACMG Guidelines, 2015. Collection method: curation. Allele origin: unknown. Inheritance: Autosomal dominant inheritance. Affected: yes. Observed: 1 variant allele.
Comment: PVS1, PS4_Supporting, PM2

Literature cited by the submitters: PubMed 26702063 (cited by Ambry Genetics and Molecular Pathology Research Laboratory, SA Pathology).

NM_032638.5(GATA2):c.685del (p.Leu229fs)

Gene: GATA2 (GATA binding protein 2; minus strand). Cytogenetic location: 3q21.3.
Variant type: Deletion.
Coding change: c.685del on transcript NM_032638.5 (MANE Select); coding-DNA position 685, one base deleted (C; older notation c.685delC).
Protein change: p.Leu229fs; shifts the reading frame from leucine 229.
Molecular consequence: frameshift variant.
Genome position (GRCh38, 1-based): chr3:128,485,913, G deleted on the plus strand (C on the coding strand, the reverse complement: GATA2 is on the minus strand); the first of 4 consecutive G bases (chr3:128,485,913-128,485,916); deleting any one gives the same sequence. VCF-style (leftmost placement, unchanged base first): chr3-128485912-AG-A. GRCh37 (hg19) VCF-style: chr3-128204755-AG-A.
Other names: c.685delC (NM_032638.4); c.685del, p.Leu229fs (NM_001145661.2, NM_001145662.1); short protein forms L229fs.
Identifiers: ClinVar variation 1184229 (VCV001184229.2), dbSNP rs2107672153, ClinGen allele CA1139532791.
Genomic context (GRCh38, chr3:128,485,912, plus strand): 5'-TAGGTGGGGATGGGGTGGTGTGTAGCAGGCTGGGTGCCCATAGTAGCTAGGCCTGGGCGC[AG>A]GGGACTGCCACTTTCCATCTTCATGCTCTCCGTCAGTGACACCTGGTACTTGACGCCGTC-3'